The following is an entry in ClinVar:

ClinVar aggregate classification (germline): Uncertain significance. Review status: criteria provided, multiple submitters, no conflicts (2 of 4 stars). 5 submissions from 5 submitters: Uncertain significance (5). Last evaluated 2025-10-23.

Conditions:
Cardiovascular phenotype. Identifiers: MedGen CN230736.
Desmin-related myofibrillar myopathy (MFM1). Also called: MYOFIBRILLAR MYOPATHY WITH ARRHYTHMOGENIC RIGHT VENTRICULAR CARDIOMYOPATHY; DESMIN-RELATED MYOPATHY WITH ARRHYTHMOGENIC RIGHT VENTRICULAR CARDIOMYOPATHY; Myofibrillar myopathy 1; Desminopathy; Desmin related myopathy (former name); Desmin storage myopathy (former name). Identifiers: Orphanet 363543, Orphanet 98909, MedGen C1832370, MONDO:0011076, OMIM 601419.
Dilated cardiomyopathy 1I (CMD1I). Identifiers: Orphanet 154, MedGen C1858154, MONDO:0011482, OMIM 604765.
Neurogenic scapuloperoneal syndrome, Kaeser type (SCPNK). Also called: KAESER SYNDROME. Identifiers: Orphanet 85146, MedGen C1867005, MONDO:0008407, OMIM 181400.

Allele frequency attached by ClinVar (database versions not stated): ExAC 0.00001; gnomAD 0.00001; gnomAD exomes 0.00001 and 0.00002; TOPMed 0.00003.

Submissions (5):

Labcorp Genetics (formerly Invitae), Labcorp
Classification: Uncertain significance for Desmin-related myofibrillar myopathy. Last evaluated: 2025-10-23. Review status: criteria provided, single submitter. Criteria: Invitae Variant Classification Sherloc (09022015). Collection method: clinical testing. Allele origin: germline.
Comment: This sequence change replaces histidine, which is basic and polar, with tyrosine, which is neutral and polar, at codon 243 of the DES protein (p.His243Tyr). This variant is present in population databases (rs769647148, gnomAD 0.007%). This variant has not been reported in the literature in individuals affected with DES-related conditions. ClinVar contains an entry for this variant (Variation ID: 201702). Invitae Evidence Modeling of protein sequence and biophysical properties (such as structural, functional, and spatial information, amino acid conservation, physicochemical variation, residue mobility, and thermodynamic stability) has been performed for this missense variant. However, the output from this modeling did not meet the statistical confidence thresholds required to predict the impact of this variant on DES protein function. In summary, the available evidence is currently insufficient to determine the role of this variant in disease. Therefore, it has been classified as a Variant of Uncertain Significance.

GeneDx
Classification: Uncertain significance. Last evaluated: 2025-04-28. Review status: criteria provided, single submitter. Criteria: GeneDx Variant Classification Process June 2021. Collection method: clinical testing. Allele origin: germline. Affected: yes.
Comment: Has not been previously published as pathogenic or benign to our knowledge; Not observed at significant frequency in large population cohorts (gnomAD); In silico analysis supports that this missense variant has a deleterious effect on protein structure/function; In silico analysis suggests this variant may impact gene splicing. In the absence of RNA/functional studies, the actual effect of this sequence change is unknown.; This variant is associated with the following publications: (PMID: 26807690)

Ambry Genetics
Classification: Uncertain significance for Cardiovascular phenotype. Last evaluated: 2025-04-08. Review status: criteria provided, single submitter. Criteria: Ambry Variant Classification Scheme 2023. Collection method: clinical testing. Allele origin: germline.
Comment: The p.H243Y variant (also known as c.727C>T), located in coding exon 3 of the DES gene, results from a C to T substitution at nucleotide position 727. The histidine at codon 243 is replaced by tyrosine, an amino acid with similar properties. This amino acid position is highly conserved in available vertebrate species. In addition, this alteration is predicted to be deleterious by in silico analysis. Since supporting evidence is limited at this time, the clinical significance of this alteration remains unclear.

Revvity Omics, Revvity
Classification: Uncertain significance. Last evaluated: 2023-02-06. Review status: criteria provided, single submitter. Criteria: ACMG Guidelines, 2015. Collection method: clinical testing. Allele origin: germline.

Fulgent Genetics
Classification: Uncertain significance for Neurogenic scapuloperoneal syndrome, Kaeser type; Desmin-related myofibrillar myopathy; Dilated cardiomyopathy 1I. Last evaluated: 2021-07-15. Review status: criteria provided, single submitter. Criteria: ACMG Guidelines, 2015. Collection method: clinical testing. Allele origin: unknown.

NM_001927.4(DES):c.727C>T (p.His243Tyr)

Gene: DES (desmin; plus strand). Cytogenetic location: 2q35.
Variant type: single nucleotide variant.
Coding change: c.727C>T on transcript NM_001927.4 (MANE Select); coding-DNA position 727, C replaced by T.
Protein change: p.His243Tyr; replaces histidine 243 with tyrosine.
Molecular consequence: missense variant.
Genome position (GRCh38, 1-based): chr2:219,420,338, C>T. VCF-style: chr2-219420338-C-T. GRCh37 (hg19) VCF-style: chr2-220285060-C-T.
Other names: p.H243Y:CAT>TAT; c.727C>T (LRG_380t1); short protein forms H243Y.
Identifiers: ClinVar variation 201702 (VCV000201702.18), dbSNP rs769647148, ClinGen allele CA308260.